The following is an entry in ClinVar:

NM_015910.7(WDPCP):c.1915+6A>C

Gene: WDPCP (WD repeat containing planar cell polarity effector; minus strand). Cytogenetic location: 2p15.
Variant type: single nucleotide variant.
Coding change: c.1915+6A>C on transcript NM_015910.7 (MANE Select); 6 bases into the intron after coding-DNA position 1915, A replaced by C.
Molecular consequence: intron variant.
Genome position (GRCh38, 1-based): chr2:63,259,301, T>G on the plus strand (A>C on the coding strand, the complement: WDPCP is on the minus strand). VCF-style: chr2-63259301-T-G. GRCh37 (hg19) VCF-style: chr2-63486436-T-G.
Other names: c.1843+6A>C (NM_001354044.2); c.1438+6A>C (NM_001042692.3).
Identifiers: ClinVar variation 4998333 (VCV004998333.1).
Genomic context (GRCh38, chr2:63,259,301, plus strand): 5'-ATAAATAGAAATGATACTAACTATTGATTAAAATAAAAAGCACTTAAAAATAGCGTTAAT[T>G]CTTACCAACCCCAGAGGTTATTGATTCTGCATCAATGTCACTAGCTCTTTTTCTTGCCAC-3'

ClinVar aggregate classification (germline): Likely benign (1 of 4 stars; one submission).

Conditions:
WDPCP-related disorder. Also called: WDPCP-related condition.

gnomAD v4.1: 1 of 1,611,338 alleles (0.000062%); highest among the groups gnomAD compares: African/African-American, 0.0013%; no homozygotes.

Submission:

PreventionGenetics, part of Exact Sciences
Classification: Likely benign for WDPCP-related condition. Last evaluated: 2025-08-26. Review status: criteria provided, single submitter. Criteria: ACMG Guidelines, 2015. Collection method: clinical testing. Allele origin: germline.
Comment: This variant is classified as likely benign based on ACMG/AMP sequence variant interpretation guidelines (Richards et al. 2015 PMID: 25741868, with internal and published modifications).